The following is an entry in ClinVar:

ClinVar aggregate classification (germline): Uncertain significance. Review status: criteria provided, multiple submitters, no conflicts (2 of 4 stars). 2 submissions from 2 submitters: Uncertain significance (2). Last evaluated 2023-06-30.

Conditions:
Inborn genetic diseases. Identifiers: MedGen C0950123, MeSH D030342.

Submissions (2):

Ambry Genetics
Classification: Uncertain significance for Inborn genetic diseases. Last evaluated: 2023-06-30. Review status: criteria provided, single submitter. Criteria: Ambry Variant Classification Scheme 2023. Collection method: clinical testing. Allele origin: germline.
Comment: The p.Q681K variant (also known as c.2041C>A), located in coding exon 9 of the ATR gene, results from a C to A substitution at nucleotide position 2041. The glutamine at codon 681 is replaced by lysine, an amino acid with similar properties. This amino acid position is conserved. In addition, this alteration is predicted to be tolerated by in silico analysis. Since supporting evidence is limited at this time, the clinical significance of this alteration remains unclear.

Labcorp Genetics (formerly Invitae), Labcorp
Classification: Uncertain significance. Last evaluated: 2022-07-15. Review status: criteria provided, single submitter. Criteria: Invitae Variant Classification Sherloc (09022015). Collection method: clinical testing. Allele origin: germline.
Comment: This sequence change replaces glutamine, which is neutral and polar, with lysine, which is basic and polar, at codon 681 of the ATR protein (p.Gln681Lys). This variant is not present in population databases (gnomAD no frequency). This variant has not been reported in the literature in individuals affected with ATR-related conditions. Algorithms developed to predict the effect of missense changes on protein structure and function output the following: SIFT: "Tolerated"; PolyPhen-2: "Benign"; Align-GVGD: "Class C0". The lysine amino acid residue is found in multiple mammalian species, which suggests that this missense change does not adversely affect protein function. In summary, the available evidence is currently insufficient to determine the role of this variant in disease. Therefore, it has been classified as a Variant of Uncertain Significance.

NM_001184.4(ATR):c.2041C>A (p.Gln681Lys)

Gene: ATR (ATR checkpoint kinase; minus strand). Cytogenetic location: 3q23.
Variant type: single nucleotide variant.
Coding change: c.2041C>A on transcript NM_001184.4 (MANE Select); coding-DNA position 2041, C replaced by A.
Protein change: p.Gln681Lys; replaces glutamine 681 with lysine.
Molecular consequence: missense variant.
Genome position (GRCh38, 1-based): chr3:142,556,420, G>T on the plus strand (C>A on the coding strand, the complement: ATR is on the minus strand). VCF-style: chr3-142556420-G-T. GRCh37 (hg19) VCF-style: chr3-142275262-G-T.
Other names: c.2041C>A (NM_001184.3); c.1849C>A, p.Gln617Lys (NM_001354579.2); short protein forms Q617K, Q681K.
Identifiers: ClinVar variation 1714920 (VCV001714920.7), dbSNP rs2473398286, ClinGen allele CA354819145.